The following is an entry in ClinVar:

ClinVar aggregate classification (germline): Uncertain significance. Review status: criteria provided, multiple submitters, no conflicts (2 of 4 stars). 3 submissions from 3 submitters: Uncertain significance (3). Last evaluated 2026-01-14.

Conditions:
Cholestanol storage disease (CTX). Also called: CEREBRAL CHOLESTERINOSIS; Cerebrotendinous Xanthomatosis; CTX: Cerebrotendinous xanthomatosis. Identifiers: Orphanet 909, MedGen C0238052, MONDO:0008948, OMIM 213700.

Allele frequency attached by ClinVar (database versions not stated): gnomAD exomes below 0.00001; gnomAD 0.00001; TOPMed 0.00001.
gnomAD v4.1: 2 of 1,614,132 alleles (0.00012%); highest among the groups gnomAD compares: Admixed American, 0.0033%; no homozygotes.

Submissions (3):

Labcorp Genetics (formerly Invitae), Labcorp
Classification: Uncertain significance for Cholestanol storage disease. Last evaluated: 2026-01-14. Review status: criteria provided, single submitter. Criteria: Invitae Variant Classification Sherloc (09022015). Collection method: clinical testing. Allele origin: germline.
Comment: This sequence change replaces cysteine, which is neutral and slightly polar, with arginine, which is basic and polar, at codon 228 of the CYP27A1 protein (p.Cys228Arg). This variant is not present in population databases (gnomAD no frequency). This variant has not been reported in the literature in individuals affected with CYP27A1-related conditions. ClinVar contains an entry for this variant (Variation ID: 502366). Invitae Evidence Modeling of protein sequence and biophysical properties (such as structural, functional, and spatial information, amino acid conservation, physicochemical variation, residue mobility, and thermodynamic stability) indicates that this missense variant is expected to disrupt CYP27A1 protein function with a positive predictive value of 95%. In summary, the available evidence is currently insufficient to determine the role of this variant in disease. Therefore, it has been classified as a Variant of Uncertain Significance.

GeneDx
Classification: Uncertain significance. Last evaluated: 2025-05-16. Review status: criteria provided, single submitter. Criteria: GeneDx Variant Classification Process June 2021. Collection method: clinical testing. Allele origin: germline. Affected: yes.
Comment: Not observed at significant frequency in large population cohorts (gnomAD); In silico analysis supports that this missense variant has a deleterious effect on protein structure/function; Has not been previously published as pathogenic or benign to our knowledge

Eurofins Ntd Llc (ga)
Classification: Uncertain significance. Last evaluated: 2017-05-31. Review status: criteria provided, single submitter. Criteria: EGL Classification Definitions 2015. Collection method: clinical testing. Allele origin: germline. Observed: 1 variant allele, 1 heterozygote.

NM_000784.4(CYP27A1):c.682T>C (p.Cys228Arg)

Gene: CYP27A1 (cytochrome P450 family 27 subfamily A member 1; plus strand). Cytogenetic location: 2q35.
Variant type: single nucleotide variant.
Coding change: c.682T>C on transcript NM_000784.4 (MANE Select); coding-DNA position 682, T replaced by C.
Protein change: p.Cys228Arg; replaces cysteine 228 with arginine.
Molecular consequence: missense variant.
Genome position (GRCh38, 1-based): chr2:218,812,587, T>C. VCF-style: chr2-218812587-T-C. GRCh37 (hg19) VCF-style: chr2-219677310-T-C.
Other names: c.682T>C (NM_000784.3); short protein forms C228R.
Identifiers: ClinVar variation 502366 (VCV000502366.11), dbSNP rs1553616268, ClinGen allele CA350586152.